The following is an entry in ClinVar:

NM_000548.5(TSC2):c.2334C>G (p.Asn778Lys)

Gene: TSC2 (TSC complex subunit 2; plus strand). Cytogenetic location: 16p13.3.
Variant type: single nucleotide variant.
Coding change: c.2334C>G on transcript NM_000548.5 (MANE Select); coding-DNA position 2334, C replaced by G.
Protein change: p.Asn778Lys; replaces asparagine 778 with lysine.
Molecular consequence: missense variant.
Genome position (GRCh38, 1-based): chr16:2,072,962, C>G. VCF-style: chr16-2072962-C-G. GRCh37 (hg19) VCF-style: chr16-2122963-C-G.
Other names: c.2334C>G, p.Asn778Lys (NM_001077183.3, NM_001114382.3, NM_001363528.2 and 3 more transcripts); c.2223C>G, p.Asn741Lys (NM_001318827.2); c.2187C>G, p.Asn729Lys (NM_001318829.2); c.1734C>G, p.Asn578Lys (NM_001318831.2); c.2367C>G, p.Asn789Lys (NM_001318832.2); c.2334C>G (NM_000548.3); short protein forms N578K, N729K, N741K, N778K, N789K.
Identifiers: ClinVar variation 1060841 (VCV001060841.10), dbSNP rs1320712673, ClinGen allele CA394276671.

ClinVar aggregate classification (germline): Conflicting classifications of pathogenicity. Review status: criteria provided, conflicting classifications (1 of 4 stars). 2 submissions from 2 submitters: Uncertain significance (1); Benign (1). Last evaluated 2025-08-28.

Conditions:
Hereditary cancer-predisposing syndrome. Also called: Tumor predisposition; Neoplastic Syndromes, Hereditary; Hereditary Cancer Syndrome; Hereditary neoplastic syndrome. Identifiers: Orphanet 140162, MedGen C0027672, MeSH D009386, MONDO:0015356.
Tuberous sclerosis 2 (TSC2). Identifiers: Orphanet 805, MedGen C1860707, MONDO:0013199, OMIM 613254.

Allele frequency attached by ClinVar (database versions not stated): gnomAD exomes below 0.00001.
gnomAD v4.1: 3 of 1,613,592 alleles (0.00019%); highest among the groups gnomAD compares: Middle Eastern, 0.033%; no homozygotes.

Submissions (2):

Labcorp Genetics (formerly Invitae), Labcorp
Classification: Benign for Tuberous sclerosis 2. Last evaluated: 2025-08-28. Review status: criteria provided, single submitter. Criteria: Invitae Variant Classification Sherloc (09022015). Collection method: clinical testing. Allele origin: germline.

Ambry Genetics
Classification: Uncertain significance for Hereditary cancer-predisposing syndrome. Last evaluated: 2025-07-03. Review status: criteria provided, single submitter. Criteria: Ambry Variant Classification Scheme 2023. Collection method: clinical testing. Allele origin: germline.
Comment: The p.N778K variant (also known as c.2334C>G), located in coding exon 20 of the TSC2 gene, results from a C to G substitution at nucleotide position 2334. The asparagine at codon 778 is replaced by lysine, an amino acid with similar properties. This amino acid position is not well conserved in available vertebrate species. In addition, this alteration is predicted to be tolerated by in silico analysis. Based on the available evidence, the clinical significance of this variant remains unclear.